The following is an entry in ClinVar:

ClinVar aggregate classification (germline): Likely benign (1 of 4 stars; one submission).

Submission:

CeGaT Center for Human Genetics Tuebingen
Classification: Likely benign. Last evaluated: 2023-03-01. Review status: criteria provided, single submitter. Criteria: CeGaT Center For Human Genetics Tuebingen Variant Classification Criteria Version 2. Collection method: clinical testing. Allele origin: germline. Affected: yes. Observed: 1 variant allele.
Comment: NEDD4: PM2:Supporting, BP4, BP7

NM_006154.4(NEDD4):c.2625T>A (p.Pro875=)

Gene: NEDD4 (NEDD4 E3 ubiquitin protein ligase; minus strand). Cytogenetic location: 15q21.3.
Variant type: single nucleotide variant.
Coding change: c.2625T>A on transcript NM_006154.4 (MANE Select); coding-DNA position 2625, T replaced by A.
Protein change: p.Pro875=; no amino-acid change (proline 875 retained).
Molecular consequence: synonymous variant. On other transcripts: non-coding transcript variant (1).
Genome position (GRCh38, 1-based): chr15:55,829,975, A>T on the plus strand (T>A on the coding strand, the complement: NEDD4 is on the minus strand). VCF-style: chr15-55829975-A-T. GRCh37 (hg19) VCF-style: chr15-56122173-A-T.
Other names: c.3882T>A, p.Pro1294= (NM_001284338.2); c.3834T>A, p.Pro1278= (NM_001284339.1); c.3831T>A, p.Pro1277= (NM_001284340.1); c.2184T>A, p.Pro728= (NM_001329212.2); c.3666T>A, p.Pro1222= (NM_198400.3).
Identifiers: ClinVar variation 2645370 (VCV002645370.24), dbSNP rs2542923620, ClinGen allele CA490441988.